The following is an entry in ClinVar:

NM_003718.5(CDK13):c.210_224dup (p.Ala76_Ser77insAlaAlaAlaAlaAla)

Genes: CDK13 (cyclin dependent kinase 13; plus strand), LOC129998292 (ATAC-STARR-seq lymphoblastoid silent region 18115; plus strand). Cytogenetic location: 7p14.1.
Variant type: Duplication.
Coding change: c.210_224dup on transcript NM_003718.5 (MANE Select); coding-DNA positions 210 to 224, 15 bases duplicated (AGCCGCCGCCGCCGC).
Protein change: p.Ala76_Ser77insAlaAlaAlaAlaAla.
Molecular consequence: inframe indel (on NM_031267.4).
Genome position (GRCh38, 1-based): chr7:39,950,851-39,950,865, AGCCGCCGCCGCCGC duplicated; duplicating any 15 consecutive bases within chr7:39,950,840-39,950,865 gives the same sequence; the c. name uses the placement nearest the transcript's 3' end. VCF-style (leftmost placement, unchanged base first): chr7-39950839-G-GGCCGCCGCCGCAGCC. GRCh37 (hg19) VCF-style: chr7-39990438-G-GGCCGCCGCCGCAGCC.
Other names: c.210_224dup, p.Ala76_Ser77insAlaAlaAlaAlaAla (NM_031267.4).
Identifiers: ClinVar variation 2876973 (VCV002876973.3), dbSNP rs2483667857, ClinGen allele CA454872689.

ClinVar aggregate classification (germline): Uncertain significance (1 of 4 stars; one submission).

Submission:

Labcorp Genetics (formerly Invitae), Labcorp
Classification: Uncertain significance. Last evaluated: 2026-01-05. Review status: criteria provided, single submitter. Criteria: Invitae Variant Classification Sherloc (09022015). Collection method: clinical testing. Allele origin: germline.
Comment: This variant, c.210_224dup, results in the insertion of 5 amino acid(s) of the CDK13 protein (p.Ala72_Ala76dup), but otherwise preserves the integrity of the reading frame. This variant is not present in population databases (gnomAD no frequency). This variant has not been reported in the literature in individuals affected with CDK13-related conditions. ClinVar contains an entry for this variant (Variation ID: 2876973). In summary, the available evidence is currently insufficient to determine the role of this variant in disease. Therefore, it has been classified as a Variant of Uncertain Significance.